The following is an entry in ClinVar:

NM_000301.5(PLG):c.2019-1G>A

Gene: PLG (plasminogen; plus strand). Cytogenetic location: 6q26.
Variant type: single nucleotide variant.
Coding change: c.2019-1G>A on transcript NM_000301.5 (MANE Select); the canonical splice acceptor site of the intron before coding-DNA position 2019, G replaced by A.
Molecular consequence: splice acceptor variant.
Genome position (GRCh38, 1-based): chr6:160,741,310, G>A. VCF-style: chr6-160741310-G-A. GRCh37 (hg19) VCF-style: chr6-161162342-G-A.
Identifiers: ClinVar variation 1179096 (VCV001179096.2), dbSNP rs2115181746, ClinGen allele CA366366126.

ClinVar aggregate classification (germline): Likely pathogenic (1 of 4 stars; one submission).

Conditions:
Plasminogen deficiency, type I. Also called: Hypoplasminogenemia; Type 1 plasminogen deficiency. Identifiers: Orphanet 722, MedGen C1968804, MONDO:0009009, OMIM 217090.

Submission:

Fulgent Genetics
Classification: Likely pathogenic for Plasminogen deficiency, type I. Last evaluated: 2021-06-30. Review status: criteria provided, single submitter. Criteria: ACMG Guidelines, 2015. Collection method: clinical testing. Allele origin: unknown.
Comment: This variant has been detected in individual(s) who were sent for testing of Renasight - kidney gene panel.